The following is an entry in ClinVar:

ClinVar aggregate classification (germline): Likely benign. Review status: criteria provided, multiple submitters, no conflicts (2 of 4 stars). 3 submissions from 3 submitters: Likely benign (3). Last evaluated 2026-01-22.

Conditions:
SETX-related disorder. Also called: SETX-related condition; SETX-related disorders. Identifiers: MedGen CN239403.
Amyotrophic lateral sclerosis type 4 (ALS4). Also called: AMYOTROPHIC LATERAL SCLEROSIS 4, JUVENILE; NEURONOPATHY, DISTAL HEREDITARY MOTOR, WITH PYRAMIDAL FEATURES. Identifiers: Orphanet 357043, MedGen C1865409, MONDO:0011223, OMIM 602433.
Spinocerebellar ataxia, autosomal recessive, with axonal neuropathy 2 (SCAN2). Also called: Ataxia-ocular apraxia-2; Ataxia with Oculomotor Apraxia; ATAXIA-OCULOMOTOR APRAXIA 2; Ataxia with Oculomotor Apraxia Type 2. Identifiers: Orphanet 64753, MedGen C1853761, MONDO:0018996, OMIM 606002.

Allele frequency attached by ClinVar (database versions not stated): gnomAD 0.00001 and 0.00003; TOPMed 0.00003; ExAC 0.00004; gnomAD exomes 0.00004.
gnomAD v4.1: 31 of 1,613,776 alleles (0.0019%); highest among the groups gnomAD compares: Admixed American, 0.0033%; no homozygotes.

Submissions (3):

PreventionGenetics, part of Exact Sciences
Classification: Likely benign for SETX-related condition. Last evaluated: 2026-01-22. Review status: criteria provided, single submitter. Criteria: ACMG Guidelines, 2015. Collection method: clinical testing. Allele origin: germline.
Comment: This variant is classified as likely benign based on ACMG/AMP sequence variant interpretation guidelines (Richards et al. 2015 PMID: 25741868, with internal and published modifications).

Labcorp Genetics (formerly Invitae), Labcorp
Classification: Likely benign for Amyotrophic lateral sclerosis type 4; Spinocerebellar ataxia, autosomal recessive, with axonal neuropathy 2. Last evaluated: 2025-09-18. Review status: criteria provided, single submitter. Criteria: Invitae Variant Classification Sherloc (09022015). Collection method: clinical testing. Allele origin: germline.

Blueprint Genetics
Classification: Likely benign. Last evaluated: 2023-03-28. Review status: criteria provided, single submitter. Criteria: ACMG Guidelines, 2015. Collection method: clinical testing. Allele origin: germline.

NM_015046.7(SETX):c.3294C>T (p.Asp1098=)

Gene: SETX (senataxin; minus strand). Cytogenetic location: 9q34.13.
Variant type: single nucleotide variant.
Coding change: c.3294C>T on transcript NM_015046.7 (MANE Select); coding-DNA position 3294, C replaced by T.
Protein change: p.Asp1098=; no amino-acid change (aspartic acid 1098 retained).
Molecular consequence: synonymous variant.
Genome position (GRCh38, 1-based): chr9:132,328,304, G>A on the plus strand (C>T on the coding strand, the complement: SETX is on the minus strand). VCF-style: chr9-132328304-G-A. GRCh37 (hg19) VCF-style: chr9-135203691-G-A.
Other names: c.3294C>T, p.Asp1098= (NM_001351527.2, NM_001351528.2); c.3294C>T (NM_015046.5).
Identifiers: ClinVar variation 1531183 (VCV001531183.10), dbSNP rs61732723, ClinGen allele CA5297439.